The following is an entry in ClinVar:

ClinVar aggregate classification (germline): Uncertain significance. Review status: criteria provided, multiple submitters, no conflicts (2 of 4 stars). 2 submissions from 2 submitters: Uncertain significance (2). Last evaluated 2025-07-31.

Conditions:
Perlman syndrome (PRLMNS). Identifiers: Orphanet 2849, MedGen C0796113, MONDO:0009965, OMIM 267000.

Allele frequency attached by ClinVar (database versions not stated): gnomAD 0.00001; TOPMed 0.00001; gnomAD exomes 0.00002 and 0.00003; ExAC 0.00003.
gnomAD v4.1: 31 of 1,613,184 alleles (0.0019%); highest among the groups gnomAD compares: South Asian, 0.018%; no homozygotes.

Submissions (2):

Labcorp Genetics (formerly Invitae), Labcorp
Classification: Uncertain significance for Perlman syndrome. Last evaluated: 2025-07-31. Review status: criteria provided, single submitter. Criteria: Invitae Variant Classification Sherloc (09022015). Collection method: clinical testing. Allele origin: germline.
Comment: This sequence change replaces alanine, which is neutral and non-polar, with valine, which is neutral and non-polar, at codon 136 of the DIS3L2 protein (p.Ala136Val). This variant is present in population databases (rs752699253, gnomAD 0.02%). This variant has not been reported in the literature in individuals affected with DIS3L2-related conditions. ClinVar contains an entry for this variant (Variation ID: 573106). An algorithm developed to predict the effect of missense changes on protein structure and function outputs the following: PolyPhen-2: "Benign". The valine amino acid residue is found in multiple mammalian species, which suggests that this missense change does not adversely affect protein function. In summary, the available evidence is currently insufficient to determine the role of this variant in disease. Therefore, it has been classified as a Variant of Uncertain Significance.

St. Jude Molecular Pathology, St. Jude Children's Research Hospital
Classification: Uncertain significance for Perlman syndrome. Last evaluated: 2024-09-23. Review status: criteria provided, single submitter. Criteria: St. Jude Assertion Criteria 2020. Collection method: clinical testing. Allele origin: germline.
Comment: The DIS3L2 c.407C>T (p.Ala136Val) missense change has a maximum subpopulation frequency of 0.02% in gnomAD v2.1.1. The in silico tool REVEL predicts a benign effect on protein function, but to our knowledge these predictions have not been confirmed by functional studies. To our knowledge, this variant has not been reported in individuals with Perlman syndrome. In summary, the evidence currently available is insufficient to determine the clinical significance of this variant. It has therefore been classified as of uncertain significance.?

NM_152383.5(DIS3L2):c.407C>T (p.Ala136Val)

Gene: DIS3L2 (DIS3 like 3'-5' exoribonuclease 2; plus strand). Cytogenetic location: 2q37.1.
Variant type: single nucleotide variant.
Coding change: c.407C>T on transcript NM_152383.5 (MANE Select); coding-DNA position 407, C replaced by T.
Protein change: p.Ala136Val; replaces alanine 136 with valine.
Molecular consequence: missense variant. On other transcripts: non-coding transcript variant (2).
Genome position (GRCh38, 1-based): chr2:232,087,527, C>T. VCF-style: chr2-232087527-C-T. GRCh37 (hg19) VCF-style: chr2-232952237-C-T.
Other names: c.407C>T, p.Ala136Val (NM_001257281.2, NM_001257282.2); short protein forms A136V.
Identifiers: ClinVar variation 573106 (VCV000573106.9), dbSNP rs752699253, ClinGen allele CA2163821.